The following is an entry in ClinVar:

NM_020877.5(DNAH2):c.1904+146dup

Gene: DNAH2 (dynein axonemal heavy chain 2; plus strand). Cytogenetic location: 17p13.1.
Variant type: Duplication.
Coding change: c.1904+146dup on transcript NM_020877.5 (MANE Select); 146 bases into the intron after coding-DNA position 1904, one base duplicated (T; older notation c.1904+146dupT).
Molecular consequence: intron variant. On other transcripts: frameshift variant (1).
Genome position (GRCh38, 1-based): chr17:7,743,288, T duplicated; the last of 10 consecutive T bases (chr17:7,743,279-7,743,288); duplicating any one gives the same sequence. VCF-style (leftmost placement, unchanged base first): chr17-7743278-C-CT. GRCh37 (hg19) VCF-style: chr17-7646596-C-CT.
Other names: c.2296dup, p.Ser766fs (NM_001303270.2); short protein forms S766fs.
Identifiers: ClinVar variation 3060369 (VCV003060369.2), dbSNP rs564117935, ClinGen allele CA8356301.

ClinVar aggregate classification (germline): Likely benign (0 of 4 stars; one submission).

Conditions:
DNAH2-related disorder. Also called: DNAH2-related condition.

Submission:

PreventionGenetics, part of Exact Sciences
Classification: Likely benign for DNAH2-related condition. Last evaluated: 2019-11-06. Review status: no assertion criteria provided. Collection method: clinical testing. Allele origin: germline.
Comment: This variant is classified as likely benign based on ACMG/AMP sequence variant interpretation guidelines (Richards et al. 2015 PMID: 25741868, with internal and published modifications).